The following is an entry in ClinVar:

NM_001379200.1(TBX1):c.1027del (p.Thr343fs)

Gene: TBX1 (T-box transcription factor 1; plus strand). Cytogenetic location: 22q11.21.
Variant type: Deletion.
Coding change: c.1027del on transcript NM_001379200.1 (MANE Select); coding-DNA position 1027, one base deleted (A; older notation c.1027delA).
Protein change: p.Thr343fs; shifts the reading frame from threonine 343.
Molecular consequence: frameshift variant.
Genome position (GRCh38, 1-based): chr22:19,765,993, A deleted. VCF-style (leftmost placement, unchanged base first): chr22-19765992-CA-C. GRCh37 (hg19) VCF-style: chr22-19753515-CA-C.
Other names: c.1000del, p.Thr334fs (NM_005992.1, NM_080646.2, NM_080647.1); short protein forms T334fs, T343fs.
Identifiers: ClinVar variation 2769601 (VCV002769601.3), dbSNP rs2517855397, ClinGen allele CA2697547637.

ClinVar aggregate classification (germline): Pathogenic (1 of 4 stars; one submission).

Conditions:
DiGeorge syndrome. Also called: Catch22; THIRD AND FOURTH PHARYNGEAL POUCH SYNDROME. Identifiers: Orphanet 567, MedGen C0012236, MONDO:0008564, OMIM 188400.

Submission:

Labcorp Genetics (formerly Invitae), Labcorp
Classification: Pathogenic for DiGeorge syndrome. Last evaluated: 2023-12-02. Review status: criteria provided, single submitter. Criteria: Invitae Variant Classification Sherloc (09022015). Collection method: clinical testing. Allele origin: germline.
Comment: This sequence change creates a premature translational stop signal (p.Thr334Argfs*36) in the TBX1 gene. While this is not anticipated to result in nonsense mediated decay, it is expected to disrupt the last 162 amino acid(s) of the TBX1 protein. This variant is not present in population databases (gnomAD no frequency). This variant has not been reported in the literature in individuals affected with TBX1-related conditions. This variant disrupts a region of the TBX1 protein in which other variant(s) (p.Tyr418Phefs*42) have been determined to be pathogenic (PMID: 24637876). This suggests that this is a clinically significant region of the protein, and that variants that disrupt it are likely to be disease-causing. For these reasons, this variant has been classified as Pathogenic.

Literature cited by the submitters: PubMed 24637876.